The following is an entry in ClinVar:

ClinVar aggregate classification (germline): Uncertain significance (1 of 4 stars; one submission).

Conditions:
Hereditary cancer-predisposing syndrome. Also called: Hereditary Cancer Syndrome; Neoplastic Syndromes, Hereditary; Tumor predisposition; Hereditary neoplastic syndrome. Identifiers: Orphanet 140162, MedGen C0027672, MeSH D009386, MONDO:0015356.

Allele frequency attached by ClinVar (database versions not stated): gnomAD exomes below 0.00001.
gnomAD v4.1: 1 of 1,614,156 alleles (0.000062%); highest among the groups gnomAD compares: South Asian, 0.0011%; no homozygotes.

Submission:

Ambry Genetics
Classification: Uncertain significance for Hereditary cancer-predisposing syndrome. Last evaluated: 2025-06-11. Review status: criteria provided, single submitter. Criteria: Ambry Variant Classification Scheme 2023. Collection method: clinical testing. Allele origin: germline.
Comment: The p.S1613N variant (also known as c.4838G>A), located in coding exon 14 of the BRCA1 gene, results from a G to A substitution at nucleotide position 4838. The serine at codon 1613 is replaced by asparagine, an amino acid with highly similar properties. This amino acid position is not well conserved in available vertebrate species. In addition, this alteration is predicted to be tolerated by in silico analysis. Based on the available evidence, the clinical significance of this variant remains unclear.

NM_007294.4(BRCA1):c.4838G>A (p.Ser1613Asn)

Gene: BRCA1 (BRCA1 DNA repair associated; minus strand). Cytogenetic location: 17q21.31.
Variant type: single nucleotide variant.
Coding change: c.4838G>A on transcript NM_007294.4 (MANE Select); coding-DNA position 4838, G replaced by A.
Protein change: p.Ser1613Asn; replaces serine 1613 with asparagine.
Molecular consequence: missense variant. On other transcripts: non-coding transcript variant (1).
Genome position (GRCh38, 1-based): chr17:43,071,076, C>T on the plus strand (G>A on the coding strand, the complement: BRCA1 is on the minus strand). VCF-style: chr17-43071076-C-T. GRCh37 (hg19) VCF-style: chr17-41223093-C-T.
Other names: c.4778G>A, p.Ser1593Asn (NM_001407649.1); c.4838G>A, p.Ser1613Asn (NM_001407652.1, NM_001407593.1, NM_001407594.1 and 8 more transcripts); c.4760G>A, p.Ser1587Asn (NM_001407653.1, NM_001407655.1, NM_001407654.1); c.4757G>A, p.Ser1586Asn (NM_001407656.1, NM_001407657.1, NM_001407658.1); c.4625G>A, p.Ser1542Asn (NM_001407571.1, NM_001407894.1, NM_001407895.1 and 12 more transcripts); c.4904G>A, p.Ser1635Asn (NM_001407581.1, NM_001407582.1); c.4901G>A, p.Ser1634Asn (NM_001407583.1, NM_001407585.1, NM_001407587.1 and 1 more transcripts); c.4898G>A, p.Ser1633Asn (NM_001407590.1, NM_001407591.1); and 70 more; short protein forms S1613N, S1634N, S1566N, S509N, S1316N, S1484N, S1485N, S1501N.
Identifiers: ClinVar variation 481463 (VCV000481463.7), dbSNP rs1555580821, ClinGen allele CA10591848.
Genomic context (GRCh38, chr17:43,071,076, plus strand): 5'-CTCACACTTTCTTCCATTGCATTATACCCAGCAGTATCAGTAGTATGAGCAGCAGCTGGA[C>T]TCTGGGCAGATTCTGCAACTTTCAATTGGGGAACTTTCAATGCAGAGGTTGAAGATGGTA-3'
Protein context (NP_009225.1, residues 1603-1623): PQLKVAESAQ[Ser1613Asn]PAAAHTTDTA